The following is an entry in ClinVar:

ClinVar aggregate classification (germline): Uncertain significance (1 of 4 stars; one submission).

Submission:

Women's Health and Genetics/Laboratory Corporation of America, LabCorp
Classification: Uncertain significance. Last evaluated: 2026-06-01. Review status: criteria provided, single submitter. Criteria: LabCorp Variant Classification Summary - May 2015. Collection method: clinical testing. Allele origin: germline.
Comment: Variant summary: CFTR c.4136+5G>T alters a conserved nucleotide located close to a canonical splice site and therefore could affect mRNA splicing, leading to a significantly altered protein sequence. Several computational tools predict a significant impact on normal splicing: Three predict the variant abolishes a 5' splicing donor site. Two predict the variant creates a 3' acceptor site. However, these predictions have yet to be confirmed by functional studies. The variant was absent in 251132 control chromosomes (gnomAD). The available data on variant occurrences in the general population are insufficient to allow any conclusion about variant significance. To our knowledge, no occurrence of c.4136+5G>T in individuals affected with CFTR-related conditions and no experimental evidence demonstrating its impact on protein function have been reported. No submitters have cited clinical-significance assessments for this variant to ClinVar. Based on the evidence outlined above, the variant was classified as uncertain significance.

NM_000492.4(CFTR):c.4136+5G>T

Gene: CFTR (CF transmembrane conductance regulator; plus strand). Cytogenetic location: 7q31.2.
Variant type: single nucleotide variant.
Coding change: c.4136+5G>T on transcript NM_000492.4 (MANE Select); 5 bases into the intron after coding-DNA position 4136, G replaced by T.
Molecular consequence: intron variant.
Genome position (GRCh38, 1-based): chr7:117,664,865, G>T. VCF-style: chr7-117664865-G-T. GRCh37 (hg19) VCF-style: chr7-117304919-G-T.
Identifiers: ClinVar variation 4887624 (VCV004887624.1).